The following is an entry in ClinVar:

NM_001191061.2(SLC25A22):c.743-15G>A

Gene: SLC25A22 (solute carrier family 25 member 22; minus strand). Cytogenetic location: 11p15.5.
Variant type: single nucleotide variant.
Coding change: c.743-15G>A on transcript NM_001191061.2 (MANE Select); 15 bases into the intron before coding-DNA position 743, G replaced by A.
Molecular consequence: intron variant.
Genome position (GRCh38, 1-based): chr11:792,232, C>T on the plus strand (G>A on the coding strand, the complement: SLC25A22 is on the minus strand). VCF-style: chr11-792232-C-T. GRCh37 (hg19) VCF-style: chr11-792232-C-T.
Other names: c.743-15G>A (NM_001191060.2, NM_024698.6).
Identifiers: ClinVar variation 207154 (VCV000207154.9), dbSNP rs780768183, ClinGen allele CA318348.

ClinVar aggregate classification (germline): Likely benign. Review status: criteria provided, multiple submitters, no conflicts (2 of 4 stars). 2 submissions from 2 submitters: Likely benign (2). Last evaluated 2025-06-09.

Conditions:
Early-infantile DEE. Also called: Ohtahara syndrome; Early infantile epileptic encephalopathy; Early infantile epileptic encephalopathy with suppression bursts. Identifiers: Orphanet 1934, MedGen C0393706, MONDO:0800491.

Allele frequency attached by ClinVar (database versions not stated): gnomAD exomes 0.00002; ExAC 0.00003; gnomAD 0.00003; TOPMed 0.00004.

Submissions (2):

Labcorp Genetics (formerly Invitae), Labcorp
Classification: Likely benign for Early-infantile DEE. Last evaluated: 2025-06-09. Review status: criteria provided, single submitter. Criteria: Invitae Variant Classification Sherloc (09022015). Collection method: clinical testing. Allele origin: germline.

GeneDx
Classification: Likely benign. Last evaluated: 2017-11-13. Review status: criteria provided, single submitter. Criteria: GeneDx Variant Classification (06012015). Collection method: clinical testing. Allele origin: germline. Affected: yes.
Comment: This variant is considered likely benign or benign based on one or more of the following criteria: it is a conservative change, it occurs at a poorly conserved position in the protein, it is predicted to be benign by multiple in silico algorithms, and/or has population frequency not consistent with disease.